The following is an entry in ClinVar:

ClinVar aggregate classification (germline): Uncertain significance. Review status: criteria provided, multiple submitters, no conflicts (2 of 4 stars). 2 submissions from 2 submitters: Uncertain significance (2). Last evaluated 2026-06-01.

gnomAD v4.1: 6 of 1,614,170 alleles (0.00037%); highest among the groups gnomAD compares: Middle Eastern, 0.016%; no homozygotes.

Submissions (2):

CeGaT Center for Human Genetics Tuebingen
Classification: Uncertain significance. Last evaluated: 2026-06-01. Review status: criteria provided, single submitter. Criteria: CeGaT Center For Human Genetics Tuebingen Variant Classification Criteria Version 2. Collection method: clinical testing. Allele origin: germline. Affected: yes. Observed: 1 variant allele.
Comment: THSD1: PM2, BP4

Ambry Genetics
Classification: Uncertain significance. Last evaluated: 2025-02-08. Review status: criteria provided, single submitter. Criteria: Ambry Variant Classification Scheme 2023. Collection method: clinical testing. Allele origin: germline.

NM_018676.4(THSD1):c.1822G>T (p.Asp608Tyr)

Gene: THSD1 (thrombospondin type 1 domain containing 1; minus strand). Cytogenetic location: 13q14.3.
Variant type: single nucleotide variant.
Coding change: c.1822G>T on transcript NM_018676.4 (MANE Select); coding-DNA position 1822, G replaced by T.
Protein change: p.Asp608Tyr; replaces aspartic acid 608 with tyrosine.
Molecular consequence: missense variant.
Genome position (GRCh38, 1-based): chr13:52,378,148, C>A on the plus strand (G>T on the coding strand, the complement: THSD1 is on the minus strand). VCF-style: chr13-52378148-C-A. GRCh37 (hg19) VCF-style: chr13-52952283-C-A.
Other names: c.1663G>T, p.Asp555Tyr (NM_199263.3); short protein forms D555Y, D608Y.
Identifiers: ClinVar variation 3806758 (VCV003806758.3).